The following is an entry in ClinVar:

NM_015272.5(RPGRIP1L):c.2642A>G (p.Asn881Ser)

Gene: RPGRIP1L (RPGRIP1 like; minus strand). Cytogenetic location: 16q12.2.
Variant type: single nucleotide variant.
Coding change: c.2642A>G on transcript NM_015272.5 (MANE Select); coding-DNA position 2642, A replaced by G.
Protein change: p.Asn881Ser; replaces asparagine 881 with serine.
Molecular consequence: missense variant.
Genome position (GRCh38, 1-based): chr16:53,645,666, T>C on the plus strand (A>G on the coding strand, the complement: RPGRIP1L is on the minus strand). VCF-style: chr16-53645666-T-C. GRCh37 (hg19) VCF-style: chr16-53679578-T-C.
Other names: c.2642A>G, p.Asn881Ser (NM_001308334.3, NM_001330538.2, NM_001127897.4); c.2642A>G (NM_015272.4); short protein forms N881S.
Identifiers: ClinVar variation 4929961 (VCV004929961.2).

ClinVar aggregate classification (germline): Conflicting classifications of pathogenicity. Review status: criteria provided, conflicting classifications (1 of 4 stars). 2 submissions from 2 submitters: Uncertain significance (1); Likely benign (1). Last evaluated 2026-04-16.

Conditions:
RPGRIP1L-related disorder. Also called: RPGRIP1L-related disorders; RPGRIP1L-related condition. Identifiers: MedGen CN239416.

gnomAD v4.1: 22 of 1,614,058 alleles (0.0014%); highest among the groups gnomAD compares: South Asian, 0.015%; no homozygotes.

Submissions (2):

PreventionGenetics, part of Exact Sciences
Classification: Uncertain significance for RPGRIP1L-related condition. Last evaluated: 2026-04-16. Review status: criteria provided, single submitter. Criteria: ACMG Guidelines, 2015. Collection method: clinical testing. Allele origin: germline.
Comment: The RPGRIP1L c.2642A>G variant is predicted to result in the amino acid substitution p.Asn881Ser. To our knowledge, this variant has not been reported in the literature. This variant is reported in 0.013% of alleles in individuals of South Asian descent in gnomAD. At this time, the clinical significance of this variant is uncertain due to the absence of conclusive functional and genetic evidence.

Blueprint Genetics
Classification: Likely benign. Last evaluated: 2022-11-29. Review status: criteria provided, single submitter. Criteria: ACMG Guidelines, 2015. Collection method: clinical testing. Allele origin: germline.